The following is an entry in ClinVar:

NM_016239.4(MYO15A):c.1888A>G (p.Arg630Gly)

Gene: MYO15A (myosin XVA; plus strand). Cytogenetic location: 17p11.2.
Variant type: single nucleotide variant.
Coding change: c.1888A>G on transcript NM_016239.4 (MANE Select); coding-DNA position 1888, A replaced by G.
Protein change: p.Arg630Gly; replaces arginine 630 with glycine.
Molecular consequence: missense variant.
Genome position (GRCh38, 1-based): chr17:18,120,688, A>G. VCF-style: chr17-18120688-A-G. GRCh37 (hg19) VCF-style: chr17-18024002-A-G.
Other names: short protein forms R630G.
Identifiers: ClinVar variation 2063880 (VCV002063880.5), dbSNP rs764751762, ClinGen allele CA8423203.

ClinVar aggregate classification (germline): Uncertain significance. Review status: criteria provided, multiple submitters, no conflicts (2 of 4 stars). 3 submissions from 3 submitters: Uncertain significance (3). Last evaluated 2026-09-01.

Conditions:
Inborn genetic diseases. Identifiers: MedGen C0950123, MeSH D030342.

Allele frequency attached by ClinVar (database versions not stated): gnomAD 0.00001; TOPMed 0.00003.
gnomAD v4.1: 14 of 1,565,686 alleles (0.00089%); highest among the groups gnomAD compares: Admixed American, 0.015%; no homozygotes.

Submissions (3):

GeneDx
Classification: Uncertain significance. Last evaluated: 2026-09-01. Review status: criteria provided, single submitter. Criteria: GeneDx Variant Classification Process June 2021. Collection method: clinical testing. Allele origin: germline.
Comment: In silico analysis suggests that this missense variant does not alter protein structure/function; Has not been previously published as pathogenic or benign to our knowledge

Labcorp Genetics (formerly Invitae), Labcorp
Classification: Uncertain significance. Last evaluated: 2024-12-02. Review status: criteria provided, single submitter. Criteria: Invitae Variant Classification Sherloc (09022015). Collection method: clinical testing. Allele origin: germline.
Comment: This sequence change replaces arginine, which is basic and polar, with glycine, which is neutral and non-polar, at codon 630 of the MYO15A protein (p.Arg630Gly). The frequency data for this variant in the population databases is considered unreliable, as metrics indicate poor data quality at this position in the gnomAD database. This variant has not been reported in the literature in individuals affected with MYO15A-related conditions. ClinVar contains an entry for this variant (Variation ID: 2063880). Invitae Evidence Modeling of protein sequence and biophysical properties (such as structural, functional, and spatial information, amino acid conservation, physicochemical variation, residue mobility, and thermodynamic stability) indicates that this missense variant is not expected to disrupt MYO15A protein function with a negative predictive value of 95%. In summary, the available evidence is currently insufficient to determine the role of this variant in disease. Therefore, it has been classified as a Variant of Uncertain Significance.

Ambry Genetics
Classification: Uncertain significance for Inborn genetic diseases. Last evaluated: 2021-06-18. Review status: criteria provided, single submitter. Criteria: Ambry Variant Classification Scheme 2023. Collection method: clinical testing. Allele origin: germline.